The following is an entry in ClinVar:

NM_001199107.2(TBC1D24):c.1466A>G (p.Asn489Ser)

Gene: TBC1D24 (TBC1 domain family member 24; plus strand). Cytogenetic location: 16p13.3.
Variant type: single nucleotide variant.
Coding change: c.1466A>G on transcript NM_001199107.2 (MANE Select); coding-DNA position 1466, A replaced by G.
Protein change: p.Asn489Ser; replaces asparagine 489 with serine.
Molecular consequence: missense variant.
Genome position (GRCh38, 1-based): chr16:2,500,431, A>G. VCF-style: chr16-2500431-A-G. GRCh37 (hg19) VCF-style: chr16-2550432-A-G.
Other names: c.1448A>G, p.Asn483Ser (NM_020705.3); short protein forms N489S, N483S.
Identifiers: ClinVar variation 2004746 (VCV002004746.4), dbSNP rs2505527172, ClinGen allele CA394381115.

ClinVar aggregate classification (germline): Uncertain significance (1 of 4 stars; one submission).

Conditions:
Developmental and epileptic encephalopathy, 1 (DEE1). Also called: X-linked infantile spasms; West's syndrome; Tonic spasms with clustering, arrest of psychomotor development and hypsarrhythmia on EEG; X-Linked Infantile Spasm Syndrome; OHTAHARA SYNDROME, X-LINKED; INFANTILE SPASM SYNDROME, X-LINKED 1. Identifiers: MedGen C3463992, MONDO:0010632, OMIM 308350. Disease mechanism: loss of function.
Autosomal dominant nonsyndromic hearing loss 65. Also called: Deafness, autosomal dominant 65; TBC1D24-Related Autosomal Dominant Nonsyndromic Hearing Loss (DFNA). Identifiers: Orphanet 90635, MedGen C3892048, MONDO:0014470, OMIM 616044.

Submission:

Labcorp Genetics (formerly Invitae), Labcorp
Classification: Uncertain significance for Developmental and epileptic encephalopathy, 1; Autosomal dominant nonsyndromic hearing loss 65. Last evaluated: 2022-06-11. Review status: criteria provided, single submitter. Criteria: Invitae Variant Classification Sherloc (09022015). Collection method: clinical testing. Allele origin: germline.
Comment: In summary, the available evidence is currently insufficient to determine the role of this variant in disease. Therefore, it has been classified as a Variant of Uncertain Significance. Advanced modeling of protein sequence and biophysical properties (such as structural, functional, and spatial information, amino acid conservation, physicochemical variation, residue mobility, and thermodynamic stability) performed at Invitae indicates that this missense variant is not expected to disrupt TBC1D24 protein function. This variant has not been reported in the literature in individuals affected with TBC1D24-related conditions. This variant is not present in population databases (gnomAD no frequency). This sequence change replaces asparagine, which is neutral and polar, with serine, which is neutral and polar, at codon 489 of the TBC1D24 protein (p.Asn489Ser).